The following is an entry in ClinVar:

NM_015559.3(SETBP1):c.4344C>T (p.Asn1448=)

Gene: SETBP1 (SET binding protein 1; plus strand). Cytogenetic location: 18q12.3.
Variant type: single nucleotide variant.
Coding change: c.4344C>T on transcript NM_015559.3 (MANE Select); coding-DNA position 4344, C replaced by T.
Protein change: p.Asn1448=; no amino-acid change (asparagine 1448 retained).
Molecular consequence: synonymous variant.
Genome position (GRCh38, 1-based): chr18:45,063,251, C>T. VCF-style: chr18-45063251-C-T. GRCh37 (hg19) VCF-style: chr18-42643216-C-T.
Other names: c.4344C>T, p.Asn1448= (NM_001379141.1, NM_001379142.1).
Identifiers: ClinVar variation 1674808 (VCV001674808.10), dbSNP rs766886842, ClinGen allele CA8946138.
Genomic context (GRCh38, chr18:45,063,251, plus strand): 5'-CCACGTGAACAAGATCCTGAAGGCCAAGCGGCTGCAGAGACAATCAAAAACAGGCAACAA[C>T]TTCGTGAAGAAGAGGCGCGGGCGTCCCAGGAAGCAGCCCACCCAGTTCGATGAGGACTCC-3'
Protein context (NP_056374.2, residues 1438-1458): RLQRQSKTGN[Asn1448=]FVKKRRGRPR

ClinVar aggregate classification (germline): Benign/Likely benign. Review status: criteria provided, multiple submitters, no conflicts (2 of 4 stars). 2 submissions from 2 submitters: Benign (1); Likely benign (1). Last evaluated 2026-08-01.

Allele frequency attached by ClinVar (database versions not stated): gnomAD 0.00001; gnomAD exomes 0.00002 and 0.00012; TOPMed 0.00005; ExAC 0.00010.
gnomAD v4.1: 35 of 1,613,634 alleles (0.0022%); highest among the groups gnomAD compares: Admixed American, 0.048%; no homozygotes.

Submissions (2):

CeGaT Center for Human Genetics Tuebingen
Classification: Likely benign. Last evaluated: 2026-08-01. Review status: criteria provided, single submitter. Criteria: CeGaT Center For Human Genetics Tuebingen Variant Classification Criteria Version 2. Collection method: clinical testing. Allele origin: germline. Affected: yes. Observed: 2 variant alleles.
Comment: SETBP1: BP4, BP7

Labcorp Genetics (formerly Invitae), Labcorp
Classification: Benign. Last evaluated: 2026-01-05. Review status: criteria provided, single submitter. Criteria: Invitae Variant Classification Sherloc (09022015). Collection method: clinical testing. Allele origin: germline.